The following is an entry in ClinVar:

NM_001191061.2(SLC25A22):c.313A>G (p.Lys105Glu)

Gene: SLC25A22 (solute carrier family 25 member 22; minus strand). Cytogenetic location: 11p15.5.
Variant type: single nucleotide variant.
Coding change: c.313A>G on transcript NM_001191061.2 (MANE Select); coding-DNA position 313, A replaced by G.
Protein change: p.Lys105Glu; replaces lysine 105 with glutamic acid.
Molecular consequence: missense variant.
Genome position (GRCh38, 1-based): chr11:792,969, T>C on the plus strand (A>G on the coding strand, the complement: SLC25A22 is on the minus strand). VCF-style: chr11-792969-T-C. GRCh37 (hg19) VCF-style: chr11-792969-T-C.
Other names: c.313A>G, p.Lys105Glu (NM_001191060.2, NM_024698.6); short protein forms K105E.
Identifiers: ClinVar variation 1500003 (VCV001500003.9), dbSNP rs1373412474, ClinGen allele CA378971257.

ClinVar aggregate classification (germline): Uncertain significance (1 of 4 stars; one submission).

Conditions:
Early-infantile DEE. Also called: Early infantile epileptic encephalopathy; Ohtahara syndrome; Early infantile epileptic encephalopathy with suppression bursts. Identifiers: Orphanet 1934, MedGen C0393706, MONDO:0800491.

Allele frequency attached by ClinVar (database versions not stated): gnomAD exomes below 0.00001; gnomAD 0.00001; TOPMed 0.00003.

Submission:

Labcorp Genetics (formerly Invitae), Labcorp
Classification: Uncertain significance for Early-infantile DEE. Last evaluated: 2022-02-03. Review status: criteria provided, single submitter. Criteria: Invitae Variant Classification Sherloc (09022015). Collection method: clinical testing. Allele origin: germline.
Comment: Algorithms developed to predict the effect of missense changes on protein structure and function are either unavailable or do not agree on the potential impact of this missense change (SIFT: "Deleterious"; PolyPhen-2: "Benign"; Align-GVGD: "Class C15"). In summary, the available evidence is currently insufficient to determine the role of this variant in disease. Therefore, it has been classified as a Variant of Uncertain Significance. This variant has not been reported in the literature in individuals affected with SLC25A22-related conditions. This sequence change replaces lysine, which is basic and polar, with glutamic acid, which is acidic and polar, at codon 105 of the SLC25A22 protein (p.Lys105Glu). This variant is present in population databases (no rsID available, gnomAD 0.02%).